The following is an entry in ClinVar:

NM_000368.5(TSC1):c.1388del (p.Phe462_Leu463insTer)

Gene: TSC1 (TSC complex subunit 1; minus strand). Cytogenetic location: 9q34.13.
Variant type: Deletion.
Coding change: c.1388del on transcript NM_000368.5 (MANE Select); coding-DNA position 1388, one base deleted (T; older notation c.1388delT).
Protein change: p.Phe462_Leu463insTer.
Molecular consequence: nonsense.
Genome position (GRCh38, 1-based): chr9:132,906,781, A deleted on the plus strand (T on the coding strand, the reverse complement: TSC1 is on the minus strand); the first of 5 consecutive A bases (chr9:132,906,781-132,906,785); deleting any one gives the same sequence. VCF-style (leftmost placement, unchanged base first): chr9-132906780-TA-T. GRCh37 (hg19) VCF-style: chr9-135782167-TA-T.
Other names: c.1388delT (NM_000368.4); c.1385del, p.Phe461_Leu462insTer (NM_001162426.2); c.1235del, p.Phe411_Leu412insTer (NM_001162427.2); c.1025del, p.Phe341_Leu342insTer (NM_001362177.2).
Identifiers: ClinVar variation 423113 (VCV000423113.5), dbSNP rs1064796237, ClinGen allele CA16618772.

ClinVar aggregate classification (germline): Pathogenic (1 of 4 stars; one submission).

Submission:

GeneDx
Classification: Pathogenic. Last evaluated: 2021-10-15. Review status: criteria provided, single submitter. Criteria: GeneDx Variant Classification Process June 2021. Collection method: clinical testing. Allele origin: germline. Affected: yes.
Comment: Nonsense variant predicted to result in protein truncation or nonsense mediated decay in a gene for which loss-of-function is a known mechanism of disease; Not observed in large population cohorts (Lek et al., 2016); Has not been previously published as pathogenic or benign to our knowledge